The following is an entry in ClinVar:

NM_014159.7(SETD2):c.3317T>G (p.Leu1106Trp)

Gene: SETD2 (SET domain containing 2, histone lysine methyltransferase; minus strand). Cytogenetic location: 3p21.31.
Variant type: single nucleotide variant.
Coding change: c.3317T>G on transcript NM_014159.7 (MANE Select); coding-DNA position 3317, T replaced by G.
Protein change: p.Leu1106Trp; replaces leucine 1106 with tryptophan.
Molecular consequence: missense variant. On other transcripts: non-coding transcript variant (1).
Genome position (GRCh38, 1-based): chr3:47,121,319, A>C on the plus strand (T>G on the coding strand, the complement: SETD2 is on the minus strand). VCF-style: chr3-47121319-A-C. GRCh37 (hg19) VCF-style: chr3-47162809-A-C.
Other names: c.3185T>G, p.Leu1062Trp (NM_001349370.3); short protein forms L1062W, L1106W.
Identifiers: ClinVar variation 2977417 (VCV002977417.3), dbSNP rs750263551, ClinGen allele CA2363401.
Genomic context (GRCh38, chr3:47,121,319, plus strand): 5'-GGACAGGCTTTACTTGCTATACTTTCAAATTTTTCCTCATACAAATGTCTCCTTGACTCC[A>C]ATCTCTCATCTTCCCAATGGTCAGAATAGTGTCTATAACTTTGACTGCTCCGAGAAGAAC-3'
Protein context (NP_054878.5, residues 1096-1116): HYSDHWEDER[Leu1106Trp]ESRRHLYEEK

ClinVar aggregate classification (germline): Uncertain significance (1 of 4 stars; one submission).

Conditions:
Luscan-Lumish syndrome. Identifiers: Orphanet 597738, MedGen C4085873, MONDO:0014791, OMIM 616831.

gnomAD v4.1: 1 of 1,611,920 alleles (0.000062%); highest among the groups gnomAD compares: Admixed American, 0.0017%; no homozygotes.

Submission:

Labcorp Genetics (formerly Invitae), Labcorp
Classification: Uncertain significance for Luscan-Lumish syndrome. Last evaluated: 2025-12-19. Review status: criteria provided, single submitter. Criteria: Invitae Variant Classification Sherloc (09022015). Collection method: clinical testing. Allele origin: germline.
Comment: This sequence change replaces leucine, which is neutral and non-polar, with tryptophan, which is neutral and slightly polar, at codon 1106 of the SETD2 protein (p.Leu1106Trp). This variant is present in population databases (rs750263551, gnomAD 0.003%). This variant has not been reported in the literature in individuals affected with SETD2-related conditions. ClinVar contains an entry for this variant (Variation ID: 2977417). Invitae Evidence Modeling of protein sequence and biophysical properties (such as structural, functional, and spatial information, amino acid conservation, physicochemical variation, residue mobility, and thermodynamic stability) indicates that this missense variant is not expected to disrupt SETD2 protein function with a negative predictive value of 80%. In summary, the available evidence is currently insufficient to determine the role of this variant in disease. Therefore, it has been classified as a Variant of Uncertain Significance.